The following is an entry in ClinVar:

ClinVar aggregate classification (germline): Uncertain significance. Review status: criteria provided, multiple submitters, no conflicts (2 of 4 stars). 2 submissions from 2 submitters: Uncertain significance (2). Last evaluated 2026-02-23.

Conditions:
Mosaic variegated aneuploidy syndrome 1 (MVA1). Also called: Warburton-Anyane-Yeboa syndrome. Identifiers: Orphanet 1052, MedGen C1850343, MONDO:0009759, OMIM 257300.
Inborn genetic diseases. Identifiers: MedGen C0950123, MeSH D030342.

Submissions (2):

Ambry Genetics
Classification: Uncertain significance for Inborn genetic diseases. Last evaluated: 2026-02-23. Review status: criteria provided, single submitter. Criteria: Ambry Variant Classification Scheme 2023. Collection method: clinical testing. Allele origin: germline.
Comment: The p.P586S variant (also known as c.1756C>T), located in coding exon 15 of the BUB1B gene, results from a C to T substitution at nucleotide position 1756. The proline at codon 586 is replaced by serine, an amino acid with similar properties. This amino acid position is conserved. In addition, this alteration is predicted to be tolerated by in silico analysis. Based on the available evidence, the clinical significance of this variant remains unclear.

Labcorp Genetics (formerly Invitae), Labcorp
Classification: Uncertain significance for Mosaic variegated aneuploidy syndrome 1. Last evaluated: 2025-10-26. Review status: criteria provided, single submitter. Criteria: Invitae Variant Classification Sherloc (09022015). Collection method: clinical testing. Allele origin: germline.
Comment: This sequence change replaces proline, which is neutral and non-polar, with serine, which is neutral and polar, at codon 586 of the BUB1B protein (p.Pro586Ser). This variant is not present in population databases (gnomAD no frequency). This variant has not been reported in the literature in individuals affected with BUB1B-related conditions. An algorithm developed to predict the effect of missense changes on protein structure and function (PolyPhen-2) suggests that this variant is likely to be disruptive. In summary, the available evidence is currently insufficient to determine the role of this variant in disease. Therefore, it has been classified as a Variant of Uncertain Significance.

NM_001211.6(BUB1B):c.1756C>T (p.Pro586Ser)

Gene: BUB1B (BUB1 mitotic checkpoint serine/threonine kinase B; plus strand). Cytogenetic location: 15q15.1.
Variant type: single nucleotide variant.
Coding change: c.1756C>T on transcript NM_001211.6 (MANE Select); coding-DNA position 1756, C replaced by T.
Protein change: p.Pro586Ser; replaces proline 586 with serine.
Molecular consequence: missense variant.
Genome position (GRCh38, 1-based): chr15:40,206,205, C>T. VCF-style: chr15-40206205-C-T. GRCh37 (hg19) VCF-style: chr15-40498406-C-T.
Other names: short protein forms P586S.
Identifiers: ClinVar variation 4799313 (VCV004799313.2).
Genomic context (GRCh38, chr15:40,206,205, plus strand): 5'-GAAATATTTTAGCTAAACTTTATATGGTCTTTATTTCAGGATGAATTTACAGGAATTGAA[C>T]CCTTGAGCGAGGATGCCATTATCACAGGCTTCAGAAATGTAACAATTTGTCCTAACCCAG-3'
Protein context (NP_001202.5, residues 576-596): DVCDEFTGIE[Pro586Ser]LSEDAIITGF